The following is an entry in ClinVar:

ClinVar aggregate classification (germline): Uncertain significance (1 of 4 stars; one submission).

Conditions:
Immunodeficiency 132A. Also called: Herpes simplex encephalitis, susceptibility to, 3. Identifiers: Orphanet 1930, MedGen C3553868, MONDO:0013920, OMIM 614849.

Submission:

Labcorp Genetics (formerly Invitae), Labcorp
Classification: Uncertain significance for Immunodeficiency 132A. Last evaluated: 2022-09-14. Review status: criteria provided, single submitter. Criteria: Invitae Variant Classification Sherloc (09022015). Collection method: clinical testing. Allele origin: germline.
Comment: In summary, the available evidence is currently insufficient to determine the role of this variant in disease. Therefore, it has been classified as a Variant of Uncertain Significance. Algorithms developed to predict the effect of missense changes on protein structure and function are either unavailable or do not agree on the potential impact of this missense change (SIFT: "Deleterious"; PolyPhen-2: "Probably Damaging"; Align-GVGD: "Class C0"). This variant has not been reported in the literature in individuals affected with TRAF3-related conditions. This variant is not present in population databases (gnomAD no frequency). This sequence change replaces glycine, which is neutral and non-polar, with serine, which is neutral and polar, at codon 533 of the TRAF3 protein (p.Gly533Ser).

NM_145725.3(TRAF3):c.1597G>A (p.Gly533Ser)

Gene: TRAF3 (TNF receptor associated factor 3; plus strand). Cytogenetic location: 14q32.32.
Variant type: single nucleotide variant.
Coding change: c.1597G>A on transcript NM_145725.3 (MANE Select); coding-DNA position 1597, G replaced by A.
Protein change: p.Gly533Ser; replaces glycine 533 with serine.
Molecular consequence: missense variant.
Genome position (GRCh38, 1-based): chr14:102,905,674, G>A. VCF-style: chr14-102905674-G-A. GRCh37 (hg19) VCF-style: chr14-103372011-G-A.
Other names: c.1348G>A, p.Gly450Ser (NM_001199427.2); c.1456G>A, p.Gly486Ser (NM_001385142.1); c.1516G>A, p.Gly506Ser (NM_001385143.1); c.1597G>A, p.Gly533Ser (NM_003300.4); c.1522G>A, p.Gly508Ser (NM_145726.3); short protein forms G450S, G486S, G506S, G508S, G533S.
Identifiers: ClinVar variation 1719438 (VCV001719438.6), dbSNP rs2542635505, ClinGen allele CA391077219.
Genomic context (GRCh38, chr14:102,905,674, plus strand): 5'-AAGCCCGACCCCAACAGCAGCAGCTTCAAGAAGCCCACTGGAGAGATGAATATCGCCTCT[G>A]GCTGCCCAGTCTTTGTGGCCCAAACTGTTCTAGAAAATGGGACATATATTAAAGATGATA-3'
Protein context (NP_663777.1, residues 523-543): KPTGEMNIAS[Gly533Ser]CPVFVAQTVL